The following is an entry in ClinVar:

NM_000380.4(XPA):c.667del (p.Lys222_Val223insTer)

Gene: XPA (XPA, DNA damage recognition and repair factor; minus strand). Cytogenetic location: 9q22.33.
Variant type: Deletion.
Coding change: c.667del on transcript NM_000380.4 (MANE Select); coding-DNA position 667, one base deleted (G; older notation c.667delG).
Protein change: p.Lys222_Val223insTer.
Molecular consequence: nonsense. On other transcripts: non-coding transcript variant (5).
Genome position (GRCh38, 1-based): chr9:97,684,929, C deleted on the plus strand (G on the coding strand, the reverse complement: XPA is on the minus strand). VCF-style (leftmost placement, unchanged base first): chr9-97684928-AC-A. GRCh37 (hg19) VCF-style: chr9-100447210-AC-A.
Other names: c.541del, p.Lys180_Val181insTer (NM_001354975.2); c.667delG (NM_000380.3).
Identifiers: ClinVar variation 646282 (VCV000646282.8), dbSNP rs1587744218, ClinGen allele CA915947042.

ClinVar aggregate classification (germline): Pathogenic (1 of 4 stars; one submission).

Submission:

Labcorp Genetics (formerly Invitae), Labcorp
Classification: Pathogenic. Last evaluated: 2023-06-14. Review status: criteria provided, single submitter. Criteria: Invitae Variant Classification Sherloc (09022015). Collection method: clinical testing. Allele origin: germline.
Comment: For these reasons, this variant has been classified as Pathogenic. This variant disrupts a region of the XPA protein in which other variant(s) (p.Arg228*) have been determined to be pathogenic (PMID: 8105686, 9671271, 24135642, 27607234). This suggests that this is a clinically significant region of the protein, and that variants that disrupt it are likely to be disease-causing. ClinVar contains an entry for this variant (Variation ID: 646282). This variant has not been reported in the literature in individuals affected with XPA-related conditions. This variant is not present in population databases (gnomAD no frequency). This sequence change creates a premature translational stop signal (p.Val223*) in the XPA gene. While this is not anticipated to result in nonsense mediated decay, it is expected to disrupt the last 51 amino acid(s) of the XPA protein.

Literature cited by the submitters: PubMed 8105686; PubMed 9671271; PubMed 24135642; PubMed 27607234.